The following is an entry in ClinVar:

ClinVar aggregate classification (germline): Conflicting classifications of pathogenicity. Review status: criteria provided, conflicting classifications (1 of 4 stars). 4 submissions from 4 submitters: Likely pathogenic (1); Uncertain significance (2). 1 of the submissions does not count toward it. Last evaluated 2026-02-03.

Conditions:
Bloom syndrome (BLM). Also called: Bloom-Torre-Machacek syndrome. Identifiers: Orphanet 125, MedGen C0005859, MONDO:0008876, OMIM 210900.
Hereditary cancer-predisposing syndrome. Also called: Hereditary Cancer Syndrome; Tumor predisposition; Neoplastic Syndromes, Hereditary; Hereditary neoplastic syndrome. Identifiers: Orphanet 140162, MedGen C0027672, MeSH D009386, MONDO:0015356.

gnomAD v4.1: 3 of 1,606,992 alleles (0.00019%); highest among the groups gnomAD compares: Non-Finnish European, 0.00026%; no homozygotes.

Submissions (4):

Ambry Genetics
Classification: Likely pathogenic for Hereditary cancer-predisposing syndrome. Last evaluated: 2026-02-03. Review status: criteria provided, single submitter. Criteria: Ambry Variant Classification Scheme 2023. Collection method: clinical testing. Allele origin: germline.
Comment: The c.2556G>T variant (also known as p.V852V), located in coding exon 12 of the BLM gene, results from a G to T substitution at nucleotide position 2556. This nucleotide substitution does not change the codon at 852. However, this change occurs in the first base pair of coding exon 12, which makes it likely to have some effect on normal mRNA splicing. This nucleotide position is well conserved in available vertebrate species. In silico splice site analysis predicts that this alteration will weaken the native splice acceptor site. RNA studies have demonstrated that this alteration results in abnormal splicing in the set of samples tested (Ambry internal data). This variant is considered to be rare based on population cohorts in the Genome Aggregation Database (gnomAD). Based on the majority of available evidence to date, this variant is likely to be pathogenic.

Labcorp Genetics (formerly Invitae), Labcorp
Classification: Uncertain significance for Bloom syndrome. Last evaluated: 2023-02-01. Review status: criteria provided, single submitter. Criteria: Invitae Variant Classification Sherloc (09022015). Collection method: clinical testing. Allele origin: germline.
Comment: Algorithms developed to predict the effect of sequence changes on RNA splicing suggest that this variant may disrupt the consensus splice site. This sequence change affects codon 852 of the BLM mRNA. It is a 'silent' change, meaning that it does not change the encoded amino acid sequence of the BLM protein. It affects a nucleotide within the consensus splice site. This variant is not present in population databases (gnomAD no frequency). This variant has not been reported in the literature in individuals affected with BLM-related conditions. ClinVar contains an entry for this variant (Variation ID: 850740). In summary, the available evidence is currently insufficient to determine the role of this variant in disease. Therefore, it has been classified as a Variant of Uncertain Significance.

Genetic Services Laboratory, University of Chicago
Classification: Uncertain significance. Last evaluated: 2021-07-27. Review status: criteria provided, single submitter. Criteria: ACMG Guidelines, 2015. Collection method: clinical testing. Allele origin: germline. Affected: no.

Natera, Inc.
Classification: Uncertain significance for Bloom syndrome. Last evaluated: 2020-12-15. Review status: no assertion criteria provided. Collection method: clinical testing. Allele origin: germline. Not counted in ClinVar's aggregate classification.

NM_000057.4(BLM):c.2556G>T (p.Val852=)

Gene: BLM (BLM RecQ like helicase; plus strand). Cytogenetic location: 15q26.1.
Variant type: single nucleotide variant.
Coding change: c.2556G>T on transcript NM_000057.4 (MANE Select); coding-DNA position 2556, G replaced by T.
Protein change: p.Val852=; no amino-acid change (valine 852 retained).
Molecular consequence: synonymous variant.
Genome position (GRCh38, 1-based): chr15:90,782,822, G>T. VCF-style: chr15-90782822-G-T. GRCh37 (hg19) VCF-style: chr15-91326052-G-T.
Other names: c.2556G>T, p.Val852= (NM_001287246.2, NM_001287247.2); c.1431G>T, p.Val477= (NM_001287248.2); c.2556G>T (NM_000057.2).
Identifiers: ClinVar variation 850740 (VCV000850740.20), dbSNP rs1896650229, ClinGen allele CA492161457.